The following is an entry in ClinVar:

ClinVar aggregate classification (germline): Uncertain significance (1 of 4 stars; one submission).

gnomAD v4.1: 43 of 1,613,990 alleles (0.0027%); highest among the groups gnomAD compares: East Asian, 0.011%; no homozygotes.

Submission:

Labcorp Genetics (formerly Invitae), Labcorp
Classification: Uncertain significance. Last evaluated: 2024-11-09. Review status: criteria provided, single submitter. Criteria: Invitae Variant Classification Sherloc (09022015). Collection method: clinical testing. Allele origin: germline.
Comment: This sequence change replaces isoleucine, which is neutral and non-polar, with threonine, which is neutral and polar, at codon 145 of the EPHA4 protein (p.Ile145Thr). This variant is present in population databases (rs752080176, gnomAD 0.003%). This variant has not been reported in the literature in individuals affected with EPHA4-related conditions. Invitae Evidence Modeling of protein sequence and biophysical properties (such as structural, functional, and spatial information, amino acid conservation, physicochemical variation, residue mobility, and thermodynamic stability) indicates that this missense variant is expected to disrupt EPHA4 protein function with a positive predictive value of 80%. In summary, the available evidence is currently insufficient to determine the role of this variant in disease. Therefore, it has been classified as a Variant of Uncertain Significance.

NM_004438.5(EPHA4):c.434T>C (p.Ile145Thr)

Gene: EPHA4 (EPH receptor A4; minus strand). Cytogenetic location: 2q36.1.
Variant type: single nucleotide variant.
Coding change: c.434T>C on transcript NM_004438.5 (MANE Select); coding-DNA position 434, T replaced by C.
Protein change: p.Ile145Thr; replaces isoleucine 145 with threonine.
Molecular consequence: missense variant.
Genome position (GRCh38, 1-based): chr2:221,564,120, A>G on the plus strand (T>C on the coding strand, the complement: EPHA4 is on the minus strand). VCF-style: chr2-221564120-A-G. GRCh37 (hg19) VCF-style: chr2-222428840-A-G.
Other names: c.434T>C, p.Ile145Thr (NM_001304536.2, NM_001363748.2); c.281T>C, p.Ile94Thr (NM_001304537.2); short protein forms I145T, I94T.
Identifiers: ClinVar variation 3610944 (VCV003610944.2).
Genomic context (GRCh38, chr2:221,564,120, plus strand): 5'-TTCATGATTCTGTCACCAATGTCCACTTGGGTGAAGCTCTCATCAGCAGCAATGGTGTCA[A>G]TTTTGACAAACTGGTTCTCTCTGATGAAACGCTCTTTGTCGTTGTCTGATTCATAGTAGT-3'
Protein context (NP_004429.1, residues 135-155): RFIRENQFVK[Ile145Thr]DTIAADESFT